The following is an entry in ClinVar:

ClinVar aggregate classification (germline): Benign. Review status: criteria provided, multiple submitters, no conflicts (2 of 4 stars). 5 submissions from 5 submitters: Benign (5). Last evaluated 2023-10-16.

Conditions:
Glomuvenous malformation. Also called: GLOMANGIOMAS, MULTIPLE; GLOMUS TUMORS, MULTIPLE; VENOUS MALFORMATIONS WITH GLOMUS CELLS; Familial glomangioma. Identifiers: Orphanet 83454, MedGen C1841984, MONDO:0007672, OMIM 138000.

Allele frequency attached by ClinVar (database versions not stated): gnomAD exomes 0.00070 and 0.00183; ExAC 0.00235; gnomAD 0.00724 and 0.00770; TOPMed 0.00768; 1000 Genomes Project 0.00819; ESP Exome Variant Server 0.00831; 1000 Genomes Project 30x 0.01031.
gnomAD v4.1: 2,155 of 1,566,032 alleles (0.14%); highest among the groups gnomAD compares: African/African-American, 2.5%; 28 homozygotes.

Submissions (5):

ARUP Laboratories, Molecular Genetics and Genomics, ARUP Laboratories
Classification: Benign for Glomuvenous malformation. Last evaluated: 2023-10-16. Review status: criteria provided, single submitter. Criteria: ARUP Molecular Germline Variant Investigation Process 2024. Collection method: clinical testing. Allele origin: germline.

Mayo Clinic Laboratories, Mayo Clinic
Classification: Benign. Last evaluated: 2023-06-22. Review status: criteria provided, single submitter. Criteria: ACMG Guidelines, 2015. Collection method: clinical testing. Allele origin: germline. Observed: 8 variant alleles.
Comment: BS1, BS2, BP4

Labcorp Genetics (formerly Invitae), Labcorp
Classification: Benign. Last evaluated: 2018-08-01. Review status: criteria provided, single submitter. Criteria: Invitae Variant Classification Sherloc (09022015). Collection method: clinical testing. Allele origin: germline.

Illumina Laboratory Services, Illumina
Classification: Benign for Glomuvenous malformation. Last evaluated: 2018-01-12. Review status: criteria provided, single submitter. Criteria: ICSL Variant Classification Criteria 13 December 2019. Collection method: clinical testing. Allele origin: germline.
Comment: This variant was observed in the ICSL laboratory as part of a predisposition screen in an ostensibly healthy population. It had not been previously curated by ICSL or reported in the Human Gene Mutation Database (HGMD: prior to June 1st, 2018), and was therefore a candidate for classification through an automated scoring system. Utilizing variant allele frequency, disease prevalence and penetrance estimates, and inheritance mode, an automated score was calculated to assess if this variant is too frequent to cause the disease. Based on the score and internal cut-off values, a variant classified as benign is not then subjected to further curation. The score for this variant resulted in a classification of benign for this disease.

Breakthrough Genomics
Classification: Benign. Review status: criteria provided, single submitter. Criteria: ACMG Guidelines, 2015. Collection method: not provided. Allele origin: germline. Inheritance: Autosomal dominant inheritance. Affected: yes.

NM_053274.3(GLMN):c.1159A>G (p.Met387Val)

Gene: GLMN (glomulin, FKBP associated protein; minus strand). Cytogenetic location: 1p22.1.
Variant type: single nucleotide variant.
Coding change: c.1159A>G on transcript NM_053274.3 (MANE Select); coding-DNA position 1159, A replaced by G.
Protein change: p.Met387Val; replaces methionine 387 with valine.
Molecular consequence: missense variant. On other transcripts: non-coding transcript variant (1).
Genome position (GRCh38, 1-based): chr1:92,266,474, T>C on the plus strand (A>G on the coding strand, the complement: GLMN is on the minus strand). VCF-style: chr1-92266474-T-C. GRCh37 (hg19) VCF-style: chr1-92732031-T-C.
Other names: p.Met387Val; c.1117A>G, p.Met373Val (NM_001319683.2); short protein forms M387V, M373V.
Identifiers: ClinVar variation 298131 (VCV000298131.18), dbSNP rs78101774, ClinGen allele CA950335.